The following is an entry in ClinVar:

ClinVar aggregate classification (germline): Uncertain significance (1 of 4 stars; one submission).

Conditions:
Hereditary cancer-predisposing syndrome. Also called: Neoplastic Syndromes, Hereditary; Tumor predisposition; Hereditary Cancer Syndrome; Hereditary neoplastic syndrome. Identifiers: Orphanet 140162, MedGen C0027672, MeSH D009386, MONDO:0015356.

Submission:

Ambry Genetics
Classification: Uncertain significance for Hereditary cancer-predisposing syndrome. Last evaluated: 2025-09-12. Review status: criteria provided, single submitter. Criteria: Ambry Variant Classification Scheme 2023. Collection method: clinical testing. Allele origin: germline.
Comment: The p.L1017M variant (also known as c.3049C>A), located in coding exon 25 of the POLE gene, results from a C to A substitution at nucleotide position 3049. The leucine at codon 1017 is replaced by methionine, an amino acid with highly similar properties. This amino acid position is conserved. In addition, this alteration is predicted to be tolerated by in silico analysis. Since supporting evidence is limited at this time, the clinical significance of this alteration remains unclear.

NM_006231.4(POLE):c.3049C>A (p.Leu1017Met)

Gene: POLE (DNA polymerase epsilon, catalytic subunit; minus strand). Cytogenetic location: 12q24.33.
Variant type: single nucleotide variant.
Coding change: c.3049C>A on transcript NM_006231.4 (MANE Select); coding-DNA position 3049, C replaced by A.
Protein change: p.Leu1017Met; replaces leucine 1017 with methionine.
Molecular consequence: missense variant.
Genome position (GRCh38, 1-based): chr12:132,660,980, G>T on the plus strand (C>A on the coding strand, the complement: POLE is on the minus strand). VCF-style: chr12-132660980-G-T. GRCh37 (hg19) VCF-style: chr12-133237566-G-T.
Other names: short protein forms L1017M.
Identifiers: ClinVar variation 1799216 (VCV001799216.3), dbSNP rs371831931, ClinGen allele CA387392181.